The following is an entry in ClinVar:

NM_004168.4(SDHA):c.923C>T (p.Thr308Met)

Gene: SDHA (succinate dehydrogenase complex flavoprotein subunit A; plus strand). Cytogenetic location: 5p15.33.
Variant type: single nucleotide variant.
Coding change: c.923C>T on transcript NM_004168.4 (MANE Select); coding-DNA position 923, C replaced by T.
Protein change: p.Thr308Met; replaces threonine 308 with methionine.
Molecular consequence: missense variant.
Genome position (GRCh38, 1-based): chr5:233,504, C>T. VCF-style: chr5-233504-C-T. GRCh37 (hg19) VCF-style: chr5-233619-C-T.
Other names: c.779C>T, p.Thr260Met (NM_001294332.2); c.923C>T, p.Thr308Met (NM_001330758.2); short protein forms T308M, T260M.
Identifiers: ClinVar variation 472416 (VCV000472416.28), dbSNP rs1457666982, ClinGen allele CA359012572.

ClinVar aggregate classification (germline): Pathogenic/Likely pathogenic. Review status: criteria provided, multiple submitters, no conflicts (2 of 4 stars). 7 submissions from 7 submitters: Pathogenic (2); Likely pathogenic (3). 2 of the submissions do not count toward it. Last evaluated 2026-03-11.

Conditions:
Pheochromocytoma/paraganglioma syndrome 5. Also called: Paragangliomas 5; SDHA-Related Hereditary Paraganglioma-Pheochromocytoma Syndrome. Identifiers: Orphanet 29072, MedGen C3279992, MONDO:0013602, OMIM 614165.
SDHA-related disorder. Also called: SDHA-related condition; SDHA-related disorders.
Mitochondrial complex II deficiency, nuclear type 1. Also called: SUCCINATE CoQ REDUCTASE DEFICIENCY. Identifiers: Orphanet 3208, MedGen C5700310, MONDO:0100294, OMIM 252011.
Hereditary cancer-predisposing syndrome. Also called: Tumor predisposition; Hereditary neoplastic syndrome; Neoplastic Syndromes, Hereditary; Hereditary Cancer Syndrome. Identifiers: Orphanet 140162, MedGen C0027672, MeSH D009386, MONDO:0015356.
Gastrointestinal stromal tumor. Also called: Gastrointestinal stroma tumor; Gastrointestinal stromal tumor, somatic. Identifiers: Orphanet 44890, MedGen C0238198, MeSH D046152, MONDO:0011719, OMIM 606764, HP:0100723.

Allele frequency attached by ClinVar (database versions not stated): TOPMed below 0.00001; gnomAD 0.00001; gnomAD exomes 0.00001.
gnomAD v4.1: 32 of 1,613,998 alleles (0.002%); highest among the groups gnomAD compares: Non-Finnish European, 0.0025%; no homozygotes.

Submissions (7):

Myriad Genetics, Inc.
Classification: Likely pathogenic for Pheochromocytoma/paraganglioma syndrome 5. Last evaluated: 2026-03-11. Review status: criteria provided, single submitter. Criteria: Myriad Autosomal Dominant, Autosomal Recessive and X-Linked Classification Criteria (2023). Collection method: clinical testing. Allele origin: unknown.
Comment: This variant is considered likely pathogenic. This variant has been reported in multiple individuals with clinical features of gene-specific disease [PMID: 28546994, 28500238, 27011036]. This variant is expected to disrupt protein structure [Myriad internal data]. Functional studies indicate this variant impacts protein function [PMID: 39321216].

Labcorp Genetics (formerly Invitae), Labcorp
Classification: Pathogenic for Pheochromocytoma/paraganglioma syndrome 5; Mitochondrial complex II deficiency, nuclear type 1. Last evaluated: 2026-01-07. Review status: criteria provided, single submitter. Criteria: Invitae Variant Classification Sherloc (09022015). Collection method: clinical testing. Allele origin: germline.
Comment: This sequence change replaces threonine, which is neutral and polar, with methionine, which is neutral and non-polar, at codon 308 of the SDHA protein (p.Thr308Met). This variant is present in population databases (no rsID available, gnomAD 0.002%). This missense change has been observed in individuals with gastrointestinal stromal tumor, paragangliomas and/or pheochromocytomas (PMID: 28500238, 28546994; external communication, internal data). ClinVar contains an entry for this variant (Variation ID: 472416). Invitae Evidence Modeling of protein sequence and biophysical properties (such as structural, functional, and spatial information, amino acid conservation, physicochemical variation, residue mobility, and thermodynamic stability) has been performed for this missense variant. However, the output from this modeling did not meet the statistical confidence thresholds required to predict the impact of this variant on SDHA protein function. Experimental studies have shown that this missense change affects SDHA function (PMID: 39321216). For these reasons, this variant has been classified as Pathogenic.

Women's Health and Genetics/Laboratory Corporation of America, LabCorp
Classification: Pathogenic for SDHA-Related Disorders. Last evaluated: 2025-10-23. Review status: criteria provided, single submitter. Criteria: LabCorp Variant Classification Summary - May 2015. Collection method: clinical testing. Allele origin: germline.
Comment: Variant summary: SDHA c.923C>T (p.Thr308Met) results in a non-conservative amino acid change in the encoded protein sequence. Algorithms developed to predict the effect of missense changes on protein structure and function all suggest that this variant is likely to be disruptive. The variant allele was found at a frequency of 8e-06 in 251494 control chromosomes. c.923C>T has been observed in the heterozygous state in multiple individual(s) affected with autosomal dominant SDHA-Related Disorders (example, Rattenberry_2013, Boikos_2016, Casey_2017, Labcorp Genetics (formerly Invitae)). These data indicate that the variant is likely to be associated with disease. At least one publication reports experimental evidence evaluating an impact on protein function. The most pronounced variant effect results in <10% of normal activity in vitro (example, Kent_2024). The following publications have been ascertained in the context of this evaluation (PMID: 35059314, 30854332, 23666964, 39321216, 39133175, 28500238, 27011036, 28546994, 36980917, 29978154, 37559050). ClinVar contains an entry for this variant (Variation ID: 472416). Based on the evidence outlined above, the variant was classified as pathogenic.

Ambry Genetics
Classification: Likely pathogenic for Hereditary cancer-predisposing syndrome. Last evaluated: 2025-04-03. Review status: criteria provided, single submitter. Criteria: Ambry Variant Classification Scheme 2023. Collection method: clinical testing. Allele origin: germline.
Comment: The p.T308M variant (also known as c.923C>T), located in coding exon 8 of the SDHA gene, results from a C to T substitution at nucleotide position 923. The threonine at codon 308 is replaced by methionine, an amino acid with similar properties. The variant has been detected in multiple individuals with paraganglioma or gastrointestinal stromal tumor (Rattenberry E et al. J Clin Endocrinol Metab. 2013 Jul;98:E1248-56; Casey RT et al. Mol Genet Genomic Med. 2017 May;5:237-250; Tufton N et al. Endocr. Relat. Cancer. 2017 07;24:L43-L49; Ambry internal data). Based on internal structural analysis, T308M results in disruption of the succinate binding site (Huang LS et al. Biochim Biophys Acta. 2006 Jul;1757:1073-83; Huang LS et al. J Biol Chem. 2006 Mar;281:5965-72; Shimizu H et al. J Biochem. 2012 Jun;151:589-92). This variant is considered to be rare based on population cohorts in the Genome Aggregation Database (gnomAD). This amino acid position is highly conserved in available vertebrate species. In addition, this alteration is predicted to be deleterious by in silico analysis. Based on the majority of available evidence to date, this variant is likely to be pathogenic.

GeneDx
Classification: Likely pathogenic. Last evaluated: 2023-04-20. Review status: criteria provided, single submitter. Criteria: GeneDx Variant Classification Process June 2021. Collection method: clinical testing. Allele origin: germline. Affected: yes.
Comment: Not observed at significant frequency in large population cohorts (gnomAD); In silico analysis supports that this missense variant has a deleterious effect on protein structure/function; This variant is associated with the following publications: (PMID: 22577165, 35059314, 16935256, 29978154, 36980917, 23666964, 16371358, 30854332, 28500238, 27011036, 28546994)

Institute for Clinical Genetics, University Hospital TU Dresden, University Hospital TU Dresden
Classification: Uncertain significance. Last evaluated: 2021-11-03. Review status: flagged submission. Criteria: ACMG Guidelines, 2015. Collection method: clinical testing. Allele origin: germline. Not counted in ClinVar's aggregate classification.
ClinVar note: Reason: Claim with insufficient supporting evidence

“Giorgio Prodi” Cancer Research Center, University of Bologna
Classification: Uncertain significance for Gastrointestinal stromal tumor. Last evaluated: 2021-10-01. Review status: flagged submission. Criteria: ACMG Guidelines, 2015. Collection method: research. Allele origin: somatic. Affected: yes. Observed: 1 variant allele. Not counted in ClinVar's aggregate classification.
ClinVar note: Reason: Claim with insufficient supporting evidence

Literature cited by the submitters: PubMed 28546994 (cited by 4 submitters); PubMed 28500238 (cited by 4 submitters); PubMed 27011036 (cited by Myriad Genetics, Inc. and Women's Health and Genetics/Laboratory Corporation of America, LabCorp); PubMed 39321216 (cited by 3 submitters); PubMed 35059314 (cited by Women's Health and Genetics/Laboratory Corporation of America, LabCorp); PubMed 23666964 (cited by Women's Health and Genetics/Laboratory Corporation of America, LabCorp and Ambry Genetics); PubMed 39133175 (cited by Women's Health and Genetics/Laboratory Corporation of America, LabCorp); PubMed 29978154 (cited by Women's Health and Genetics/Laboratory Corporation of America, LabCorp); PubMed 36980917 (cited by Women's Health and Genetics/Laboratory Corporation of America, LabCorp); PubMed 30854332 (cited by Women's Health and Genetics/Laboratory Corporation of America, LabCorp); PubMed 37559050 (cited by Women's Health and Genetics/Laboratory Corporation of America, LabCorp); PubMed 16371358 (cited by Ambry Genetics); PubMed 16935256 (cited by Ambry Genetics); PubMed 22577165 (cited by Ambry Genetics).